The following is an entry in ClinVar:

ClinVar aggregate classification (germline): Uncertain significance (1 of 4 stars; one submission).

Conditions:
ARHGEF40 related disorder.

Submission:

GeneDx
Classification: Uncertain significance for ARHGEF40 related disorder. Last evaluated: 2024-07-30. Review status: criteria provided, single submitter. Criteria: GeneDx Variant Classification Process June 2021. Collection method: clinical testing. Allele origin: germline. Affected: yes.

NM_018071.5(ARHGEF40):c.673C>T (p.Arg225Trp)

Gene: ARHGEF40 (Rho guanine nucleotide exchange factor 40; plus strand). Cytogenetic location: 14q11.2.
Variant type: single nucleotide variant.
Coding change: c.673C>T on transcript NM_018071.5 (MANE Select); coding-DNA position 673, C replaced by T.
Protein change: p.Arg225Trp; replaces arginine 225 with tryptophan.
Molecular consequence: missense variant. On other transcripts: 5 prime UTR variant (2).
Genome position (GRCh38, 1-based): chr14:21,074,403, C>T. VCF-style: chr14-21074403-C-T. GRCh37 (hg19) VCF-style: chr14-21542562-C-T.
Other names: c.-1497C>T (NM_001278529.2); c.-1303C>T (NM_001278530.2); short protein forms R225W.
Identifiers: ClinVar variation 3338021 (VCV003338021.1).
Genomic context (GRCh38, chr14:21,074,403, plus strand): 5'-CTGCCCTCTGGACCTCCAGGGCTTCCCAGCCCTCCACTTCCTGAGGAGGCGCTGGGTACC[C>T]GGAGTCCTGGGGATGGGCACAATGCCCCTGTGGAAGGACCTGAGGGCGAGTATGTGGAGC-3'
Protein context (NP_060541.3, residues 215-235): PPLPEEALGT[Arg225Trp]SPGDGHNAPV